The following is an entry in ClinVar:

ClinVar aggregate classification (germline): Uncertain significance (1 of 4 stars; one submission).

Submission:

Mayo Clinic Laboratories, Mayo Clinic
Classification: Uncertain significance. Last evaluated: 2025-09-18. Review status: criteria provided, single submitter. Criteria: ACMG Guidelines, 2015. Collection method: clinical testing. Allele origin: germline. Observed: 1 variant allele.
Comment: PM2_supporting

NM_031471.6(FERMT3):c.1731C>G (p.Ile577Met)

Gene: FERMT3 (FERM domain containing kindlin 3; plus strand). Cytogenetic location: 11q13.1.
Variant type: single nucleotide variant.
Coding change: c.1731C>G on transcript NM_031471.6 (MANE Select); coding-DNA position 1731, C replaced by G.
Protein change: p.Ile577Met; replaces isoleucine 577 with methionine.
Molecular consequence: missense variant.
Genome position (GRCh38, 1-based): chr11:64,223,108, C>G. VCF-style: chr11-64223108-C-G. GRCh37 (hg19) VCF-style: chr11-63990580-C-G.
Other names: p.Ile577Met; c.1731C>G, p.Ile577Met (NM_001382361.1, NM_001382448.1); c.1743C>G, p.Ile581Met (NM_001382362.1, NM_178443.3); c.1191C>G, p.Ile397Met (NM_001382363.1); c.1203C>G, p.Ile401Met (NM_001382364.1); short protein forms I401M, I577M, I581M, I397M.
Identifiers: ClinVar variation 4541626 (VCV004541626.1).